The following is an entry in ClinVar:

NM_000264.5(PTCH1):c.3408A>G (p.Gly1136=)

Gene: PTCH1 (patched 1; minus strand). Cytogenetic location: 9q22.32.
Variant type: single nucleotide variant.
Coding change: c.3408A>G on transcript NM_000264.5 (MANE Select); coding-DNA position 3408, A replaced by G.
Protein change: p.Gly1136=; no amino-acid change (glycine 1136 retained).
Molecular consequence: synonymous variant. On other transcripts: non-coding transcript variant (1).
Genome position (GRCh38, 1-based): chr9:95,453,519, T>C on the plus strand (A>G on the coding strand, the complement: PTCH1 is on the minus strand). VCF-style: chr9-95453519-T-C. GRCh37 (hg19) VCF-style: chr9-98215801-T-C.
Other names: c.3210A>G, p.Gly1070= (NM_001083602.3); c.3405A>G, p.Gly1135= (NM_001083603.3); c.2955A>G, p.Gly985= (NM_001083604.3, NM_001083605.3, NM_001083606.3 and 1 more transcripts); c.3252A>G, p.Gly1084= (NM_001354918.2).
Identifiers: ClinVar variation 1135654 (VCV001135654.35), dbSNP rs769601779, ClinGen allele CA5138158.

ClinVar aggregate classification (germline): Likely benign. Review status: criteria provided, multiple submitters, no conflicts (2 of 4 stars). 3 submissions from 3 submitters: Likely benign (3). Last evaluated 2025-12-08.

Conditions:
Gorlin syndrome. Also called: Nevoid Basal Cell Carcinoma Syndrome; Basal cell nevus syndrome. Identifiers: Orphanet 377, MedGen C0004779, MONDO:0007187.
Hereditary cancer-predisposing syndrome. Also called: Tumor predisposition; Hereditary neoplastic syndrome; Hereditary Cancer Syndrome; Neoplastic Syndromes, Hereditary. Identifiers: Orphanet 140162, MedGen C0027672, MeSH D009386, MONDO:0015356.

Allele frequency attached by ClinVar (database versions not stated): gnomAD exomes below 0.00001; ExAC 0.00001; TOPMed 0.00001.

Submissions (3):

Labcorp Genetics (formerly Invitae), Labcorp
Classification: Likely benign for Gorlin syndrome. Last evaluated: 2025-12-08. Review status: criteria provided, single submitter. Criteria: Invitae Variant Classification Sherloc (09022015). Collection method: clinical testing. Allele origin: germline.

CeGaT Center for Human Genetics Tuebingen
Classification: Likely benign. Last evaluated: 2022-09-01. Review status: criteria provided, single submitter. Criteria: CeGaT Center For Human Genetics Tuebingen Variant Classification Criteria Version 2. Collection method: clinical testing. Allele origin: germline. Affected: yes. Observed: 1 variant allele.
Comment: PTCH1: BP4, BP7

Ambry Genetics
Classification: Likely benign for Hereditary cancer-predisposing syndrome. Last evaluated: 2020-11-16. Review status: criteria provided, single submitter. Criteria: Ambry Variant Classification Scheme 2023. Collection method: clinical testing. Allele origin: germline.